The following is an entry in ClinVar:

ClinVar aggregate classification (germline): Uncertain significance. Review status: criteria provided, multiple submitters, no conflicts (2 of 4 stars). 3 submissions from 3 submitters: Uncertain significance (3). Last evaluated 2025-03-16.

Conditions:
Familial adenomatous polyposis 1 (FAP1). Also called: FAMILIAL ADENOMATOUS POLYPOSIS 1, ATTENUATED; POLYPOSIS, ADENOMATOUS INTESTINAL. Identifiers: MedGen C2713442, MONDO:0021056, OMIM 175100. Disease mechanism: loss of function.
Hereditary cancer-predisposing syndrome. Also called: Neoplastic Syndromes, Hereditary; Tumor predisposition; Hereditary Cancer Syndrome; Hereditary neoplastic syndrome. Identifiers: Orphanet 140162, MedGen C0027672, MeSH D009386, MONDO:0015356.

Allele frequency attached by ClinVar (database versions not stated): gnomAD exomes below 0.00001; ExAC 0.00001; ESP Exome Variant Server 0.00008.

Submissions (3):

Labcorp Genetics (formerly Invitae), Labcorp
Classification: Uncertain significance for Familial adenomatous polyposis 1. Last evaluated: 2025-03-16. Review status: criteria provided, single submitter. Criteria: Invitae Variant Classification Sherloc (09022015). Collection method: clinical testing. Allele origin: germline.
Comment: This sequence change replaces glycine, which is neutral and non-polar, with glutamic acid, which is acidic and polar, at codon 371 of the APC protein (p.Gly371Glu). This variant is present in population databases (rs377351581, gnomAD 0.0009%). This variant has not been reported in the literature in individuals affected with APC-related conditions. ClinVar contains an entry for this variant (Variation ID: 232525). Invitae Evidence Modeling of protein sequence and biophysical properties (such as structural, functional, and spatial information, amino acid conservation, physicochemical variation, residue mobility, and thermodynamic stability) indicates that this missense variant is not expected to disrupt APC protein function with a negative predictive value of 95%. In summary, the available evidence is currently insufficient to determine the role of this variant in disease. Therefore, it has been classified as a Variant of Uncertain Significance.

Ambry Genetics
Classification: Uncertain significance for Hereditary cancer-predisposing syndrome. Last evaluated: 2024-04-18. Review status: criteria provided, single submitter. Criteria: Ambry Variant Classification Scheme 2023. Collection method: clinical testing. Allele origin: germline.
Comment: The p.G371E variant (also known as c.1112G>A), located in coding exon 9 of the APC gene, results from a G to A substitution at nucleotide position 1112. The glycine at codon 371 is replaced by glutamic acid, an amino acid with similar properties. This amino acid position is highly conserved in available vertebrate species. In addition, in silico predictors for this gene do not accurately predict pathogenicity. Since supporting evidence is limited at this time, the clinical significance of this alteration remains unclear.

Color Diagnostics, LLC DBA Color Health
Classification: Uncertain significance for Hereditary cancer-predisposing syndrome. Last evaluated: 2019-05-29. Review status: criteria provided, single submitter. Criteria: ACMG Guidelines, 2015. Collection method: clinical testing. Allele origin: germline.

NM_000038.6(APC):c.1112G>A (p.Gly371Glu)

Gene: APC (APC regulator of Wnt signaling pathway; plus strand). Cytogenetic location: 5q22.2.
Variant type: single nucleotide variant.
Coding change: c.1112G>A on transcript NM_000038.6 (MANE Select); coding-DNA position 1112, G replaced by A.
Protein change: p.Gly371Glu; replaces glycine 371 with glutamic acid.
Molecular consequence: missense variant. On other transcripts: intron variant (4).
Genome position (GRCh38, 1-based): chr5:112,819,144, G>A. VCF-style: chr5-112819144-G-A. GRCh37 (hg19) VCF-style: chr5-112154841-G-A.
Other names: c.1112G>A, p.Gly371Glu (NM_001127510.3, NM_001354895.2, NM_001354896.2); c.1058G>A, p.Gly353Glu (NM_001127511.3); c.1142G>A, p.Gly381Glu (NM_001354897.2); c.1037G>A, p.Gly346Glu (NM_001354898.2); c.1028G>A, p.Gly343Glu (NM_001354899.2); c.935G>A, p.Gly312Glu (NM_001354900.2, NM_001354901.2); c.263G>A, p.Gly88Glu (NM_001354906.2); c.964-125G>A (NM_001354902.2); and 3 more; short protein forms G353E, G371E, G343E, G346E, G312E, G381E, G88E.
Identifiers: ClinVar variation 232525 (VCV000232525.22), dbSNP rs377351581, ClinGen allele CA026714.